The following is an entry in ClinVar:

NM_001429.4(EP300):c.923C>T (p.Pro308Leu)

Gene: EP300 (EP300 lysine acetyltransferase; plus strand). Cytogenetic location: 22q13.2.
Variant type: single nucleotide variant.
Coding change: c.923C>T on transcript NM_001429.4 (MANE Select); coding-DNA position 923, C replaced by T.
Protein change: p.Pro308Leu; replaces proline 308 with leucine.
Molecular consequence: missense variant.
Genome position (GRCh38, 1-based): chr22:41,127,503, C>T. VCF-style: chr22-41127503-C-T. GRCh37 (hg19) VCF-style: chr22-41523507-C-T.
Other names: c.923C>T (NM_001429.3); c.923C>T, p.Pro308Leu (NM_001362843.2); short protein forms P308L.
Identifiers: ClinVar variation 134062 (VCV000134062.20), dbSNP rs587778261, ClinGen allele CA158534.

ClinVar aggregate classification (germline): Benign/Likely benign. Review status: criteria provided, multiple submitters, no conflicts (2 of 4 stars). 4 submissions from 4 submitters: Benign (1); Likely benign (1). 2 of the submissions do not count toward it. Last evaluated 2026-01-21.

Conditions:
EP300-related disorder. Also called: EP300-related disorders; EP300-related condition.
Rubinstein-Taybi syndrome due to EP300 haploinsufficiency. Also called: RUBINSTEIN-TAYBI SYNDROME 2; EP300-Related Rubinstein-Taybi Syndrome. Identifiers: Orphanet 353284, Orphanet 783, MedGen C3150941, MONDO:0013364, OMIM 613684.

Allele frequency attached by ClinVar (database versions not stated): gnomAD exomes 0.00001 and 0.00005; TOPMed 0.00002; gnomAD 0.00003; ExAC 0.00005.
gnomAD v4.1: 23 of 1,614,052 alleles (0.0014%); highest among the groups gnomAD compares: East Asian, 0.025%; no homozygotes.

Submissions (4):

Labcorp Genetics (formerly Invitae), Labcorp
Classification: Benign for Rubinstein-Taybi syndrome due to EP300 haploinsufficiency. Last evaluated: 2026-01-21. Review status: criteria provided, single submitter. Criteria: Invitae Variant Classification Sherloc (09022015). Collection method: clinical testing. Allele origin: germline.

CeGaT Center for Human Genetics Tuebingen
Classification: Likely benign. Last evaluated: 2025-01-01. Review status: criteria provided, single submitter. Criteria: CeGaT Center For Human Genetics Tuebingen Variant Classification Criteria Version 2. Collection method: clinical testing. Allele origin: germline. Affected: yes. Observed: 1 variant allele.
Comment: EP300: BP4, BS2

PreventionGenetics, part of Exact Sciences
Classification: Likely benign for EP300-related condition. Last evaluated: 2023-08-24. Review status: no assertion criteria provided. Collection method: clinical testing. Allele origin: germline. Not counted in ClinVar's aggregate classification.
Comment: This variant is classified as likely benign based on ACMG/AMP sequence variant interpretation guidelines (Richards et al. 2015 PMID: 25741868, with internal and published modifications).

ITMI
No classification provided. Condition: AllHighlyPenetrant. Last evaluated: 2013-09-19. Review status: no classification provided. Collection method: reference population. Allele origin: germline. Not counted in ClinVar's aggregate classification.
Comment: Please see associated publication for description of ethnicities

Literature cited by the submitters: PubMed 24728327 (cited by ITMI).